The following is an entry in ClinVar:

NM_000424.4(KRT5):c.1555G>A (p.Gly519Ser)

Gene: KRT5 (keratin 5; minus strand). Cytogenetic location: 12q13.13.
Variant type: single nucleotide variant.
Coding change: c.1555G>A on transcript NM_000424.4 (MANE Select); coding-DNA position 1555, G replaced by A.
Protein change: p.Gly519Ser; replaces glycine 519 with serine.
Molecular consequence: missense variant.
Genome position (GRCh38, 1-based): chr12:52,515,160, C>T on the plus strand (G>A on the coding strand, the complement: KRT5 is on the minus strand). VCF-style: chr12-52515160-C-T. GRCh37 (hg19) VCF-style: chr12-52908944-C-T.
Other names: short protein forms G519S.
Identifiers: ClinVar variation 309557 (VCV000309557.15), dbSNP rs140352947, ClinGen allele CA6582458.

ClinVar aggregate classification (germline): Conflicting classifications of pathogenicity. Review status: criteria provided, conflicting classifications (1 of 4 stars). 4 submissions from 4 submitters: Uncertain significance (1); Benign (2); Likely benign (1). Last evaluated 2025-09-03.

Conditions:
Inborn genetic diseases. Identifiers: MedGen C0950123, MeSH D030342.
Epidermolysis bullosa simplex. Also called: Epidermolysis bullosa simplex, Weber-Cockayne type (subtype); Epidermolysis bullosa simplex, Dowling-Meara type (subtype); Epidermolysis bullosa simplex with mottled pigmentation (subtype). Identifiers: Orphanet 304, MedGen C0079298, MONDO:0017610.

Allele frequency attached by ClinVar (database versions not stated): gnomAD exomes 0.00084; ExAC 0.00111; 1000 Genomes Project 0.00220; gnomAD 0.00303 and 0.00326; TOPMed 0.00345; ESP Exome Variant Server 0.00384.

Submissions (4):

Labcorp Genetics (formerly Invitae), Labcorp
Classification: Benign. Last evaluated: 2025-09-03. Review status: criteria provided, single submitter. Criteria: Invitae Variant Classification Sherloc (09022015). Collection method: clinical testing. Allele origin: germline.

Blueprint Genetics
Classification: Likely benign. Last evaluated: 2024-10-07. Review status: criteria provided, single submitter. Criteria: ACMG Guidelines, 2015. Collection method: clinical testing. Allele origin: germline.

Ambry Genetics
Classification: Uncertain significance for Inborn genetic diseases. Last evaluated: 2024-02-28. Review status: criteria provided, single submitter. Criteria: Ambry Variant Classification Scheme 2023. Collection method: clinical testing. Allele origin: germline.

Illumina Laboratory Services, Illumina
Classification: Benign for Epidermolysis bullosa simplex. Last evaluated: 2018-01-13. Review status: criteria provided, single submitter. Criteria: ICSL Variant Classification Criteria 13 December 2019. Collection method: clinical testing. Allele origin: germline.
Comment: This variant was observed in the ICSL laboratory as part of a predisposition screen in an ostensibly healthy population. It had not been previously curated by ICSL or reported in the Human Gene Mutation Database (HGMD: prior to June 1st, 2018), and was therefore a candidate for classification through an automated scoring system. Utilizing variant allele frequency, disease prevalence and penetrance estimates, and inheritance mode, an automated score was calculated to assess if this variant is too frequent to cause the disease. Based on the score and internal cut-off values, a variant classified as benign is not then subjected to further curation. The score for this variant resulted in a classification of benign for this disease.